The following is an entry in ClinVar:

NM_006662.3(SRCAP):c.6836C>T (p.Ala2279Val)

Gene: SRCAP (Snf2 related CREBBP activator protein; plus strand). Cytogenetic location: 16p11.2.
Variant type: single nucleotide variant.
Coding change: c.6836C>T on transcript NM_006662.3 (MANE Select); coding-DNA position 6836, C replaced by T.
Protein change: p.Ala2279Val; replaces alanine 2279 with valine.
Molecular consequence: missense variant.
Genome position (GRCh38, 1-based): chr16:30,736,306, C>T. VCF-style: chr16-30736306-C-T. GRCh37 (hg19) VCF-style: chr16-30747627-C-T.
Other names: short protein forms A2279V.
Identifiers: ClinVar variation 3580195 (VCV003580195.2).
Genomic context (GRCh38, chr16:30,736,306, plus strand): 5'-AGGCCAAGGCTGAACAGGTGGCTGAGCTTGCAGAATTTAATGAGAACGATGGGTTTCCTG[C>T]TGGTGAGGGAGAGGAAGCTGGCCGGCCTGGGGCTGAGGATGAGGAGATGTCCCGGGCTGA-3'
Protein context (NP_006653.2, residues 2269-2289): AEFNENDGFP[Ala2279Val]GEGEEAGRPG

ClinVar aggregate classification (germline): Uncertain significance. Review status: criteria provided, multiple submitters, no conflicts (2 of 4 stars). 2 submissions from 2 submitters: Uncertain significance (2). Last evaluated 2025-08-19.

Conditions:
Developmental delay, hypotonia, musculoskeletal defects, and behavioral abnormalities. Identifiers: MedGen C5562012, MONDO:0859202, OMIM 619595.
Floating-Harbor syndrome (FLHS). Also called: SRCAP-Related Floating-Harbor Syndrome; Short stature with delayed bone age, expressive language delay, a triangular face with a prominent nose and deep-set eyes; Pelletier-Leisti syndrome. Identifiers: Orphanet 2044, MedGen C0729582, MONDO:0007621, OMIM 136140.

Submissions (2):

Labcorp Genetics (formerly Invitae), Labcorp
Classification: Uncertain significance. Last evaluated: 2025-08-19. Review status: criteria provided, single submitter. Criteria: Invitae Variant Classification Sherloc (09022015). Collection method: clinical testing. Allele origin: germline.
Comment: This sequence change replaces alanine, which is neutral and non-polar, with valine, which is neutral and non-polar, at codon 2279 of the SRCAP protein (p.Ala2279Val). This variant is present in population databases (no rsID available, gnomAD 0.002%). This variant has not been reported in the literature in individuals affected with SRCAP-related conditions. ClinVar contains an entry for this variant (Variation ID: 3580195). Invitae Evidence Modeling of protein sequence and biophysical properties (such as structural, functional, and spatial information, amino acid conservation, physicochemical variation, residue mobility, and thermodynamic stability) indicates that this missense variant is not expected to disrupt SRCAP protein function with a negative predictive value of 80%. In summary, the available evidence is currently insufficient to determine the role of this variant in disease. Therefore, it has been classified as a Variant of Uncertain Significance.

Fulgent Genetics
Classification: Uncertain significance for Floating-Harbor syndrome; Developmental delay, hypotonia, musculoskeletal defects, and behavioral abnormalities. Last evaluated: 2024-02-12. Review status: criteria provided, single submitter. Criteria: ACMG Guidelines, 2015. Collection method: clinical testing. Allele origin: germline.